The following is an entry in ClinVar:

NM_014989.7(RIMS1):c.1279dup (p.Ala427fs)

Gene: RIMS1 (regulating synaptic membrane exocytosis 1; plus strand). Cytogenetic location: 6q13.
Variant type: Duplication.
Coding change: c.1279dup on transcript NM_014989.7 (MANE Select); coding-DNA position 1279, one base duplicated (G; older notation c.1279dupG).
Protein change: p.Ala427fs; shifts the reading frame from alanine 427.
Molecular consequence: frameshift variant.
Genome position (GRCh38, 1-based): chr6:72,182,750, G duplicated; the last of 3 consecutive G bases (chr6:72,182,748-72,182,750); duplicating any one gives the same sequence. VCF-style (leftmost placement, unchanged base first): chr6-72182747-C-CG. GRCh37 (hg19) VCF-style: chr6-72892450-C-CG.
Other names: short protein forms A427fs.
Identifiers: ClinVar variation 2111306 (VCV002111306.4), dbSNP rs2551808535, ClinGen allele CA2580075744.

ClinVar aggregate classification (germline): Uncertain significance (1 of 4 stars; one submission).

Submission:

Labcorp Genetics (formerly Invitae), Labcorp
Classification: Uncertain significance. Last evaluated: 2023-08-10. Review status: criteria provided, single submitter. Criteria: Invitae Variant Classification Sherloc (09022015). Collection method: clinical testing. Allele origin: germline.
Comment: In summary, the available evidence is currently insufficient to determine the role of this variant in disease. Therefore, it has been classified as a Variant of Uncertain Significance. ClinVar contains an entry for this variant (Variation ID: 2111306). This variant has not been reported in the literature in individuals affected with RIMS1-related conditions. This variant is not present in population databases (gnomAD no frequency). This sequence change creates a premature translational stop signal (p.Ala427Glyfs*5) in the RIMS1 gene. It is expected to result in an absent or disrupted protein product. However, the current clinical and genetic evidence is not sufficient to establish whether loss-of-function variants in RIMS1 cause disease.